The following is an entry in ClinVar:

NM_001843.4(CNTN1):c.2294G>A (p.Gly765Asp)

Gene: CNTN1 (contactin 1; plus strand). Cytogenetic location: 12q12.
Variant type: single nucleotide variant.
Coding change: c.2294G>A on transcript NM_001843.4 (MANE Select); coding-DNA position 2294, G replaced by A.
Protein change: p.Gly765Asp; replaces glycine 765 with aspartic acid.
Molecular consequence: missense variant.
Genome position (GRCh38, 1-based): chr12:41,016,791, G>A. VCF-style: chr12-41016791-G-A. GRCh37 (hg19) VCF-style: chr12-41410593-G-A.
Other names: c.2261G>A, p.Gly754Asp (NM_175038.2); short protein forms G765D, G754D.
Identifiers: ClinVar variation 469419 (VCV000469419.9), dbSNP rs1555199605, ClinGen allele CA384586850.

ClinVar aggregate classification (germline): Uncertain significance (1 of 4 stars; one submission).

Conditions:
Compton-North congenital myopathy (CMYO12). Identifiers: Orphanet 210163, MedGen C2675527, MONDO:0012929, OMIM 612540.

Submission:

Labcorp Genetics (formerly Invitae), Labcorp
Classification: Uncertain significance for Compton-North congenital myopathy. Last evaluated: 2016-11-08. Review status: criteria provided, single submitter. Criteria: Invitae Variant Classification Sherloc (09022015). Collection method: clinical testing. Allele origin: germline.
Comment: In summary, this variant is a novel missense change that is not predicted to affect protein function. There is no indication that it causes disease, but the available evidence is currently insufficient to prove that conclusively. Therefore, it has been classified as a Variant of Uncertain Significance. Algorithms developed to predict the effect of missense changes on protein structure and function (SIFT, PolyPhen-2, Align-GVGD) all suggest that this variant is likely to be tolerated, but these predictions have not been confirmed by published functional studies. This variant is not present in population databases (ExAC no frequency) and has not been reported in the literature in individuals with a CNTN1-related disease. This sequence change replaces glycine with aspartic acid at codon 765 of the CNTN1 protein (p.Gly765Asp). The glycine residue is highly conserved and there is a moderate physicochemical difference between glycine and aspartic acid.